The following is an entry in ClinVar:

NM_020937.4(FANCM):c.2611A>G (p.Asn871Asp)

Gene: FANCM (FA complementation group M; plus strand). Cytogenetic location: 14q21.2.
Variant type: single nucleotide variant.
Coding change: c.2611A>G on transcript NM_020937.4 (MANE Select); coding-DNA position 2611, A replaced by G.
Protein change: p.Asn871Asp; replaces asparagine 871 with aspartic acid.
Molecular consequence: missense variant.
Genome position (GRCh38, 1-based): chr14:45,175,365, A>G. VCF-style: chr14-45175365-A-G. GRCh37 (hg19) VCF-style: chr14-45644568-A-G.
Other names: c.2533A>G, p.Asn845Asp (NM_001308133.2); short protein forms N845D, N871D.
Identifiers: ClinVar variation 4619439 (VCV004619439.1).

ClinVar aggregate classification (germline): Uncertain significance (1 of 4 stars; one submission).

Conditions:
Inborn genetic diseases. Identifiers: MedGen C0950123, MeSH D030342.

gnomAD v4.1: 1 of 1,560,256 alleles (0.000064%); highest among the groups gnomAD compares: Non-Finnish European, 0.000087%; no homozygotes.

Submission:

Ambry Genetics
Classification: Uncertain significance for Inborn genetic diseases. Last evaluated: 2025-09-19. Review status: criteria provided, single submitter. Criteria: Ambry Variant Classification Scheme 2023. Collection method: clinical testing. Allele origin: germline.
Comment: The p.N871D variant (also known as c.2611A>G), located in coding exon 14 of the FANCM gene, results from an A to G substitution at nucleotide position 2611. The asparagine at codon 871 is replaced by aspartic acid, an amino acid with highly similar properties. This amino acid position is conserved. In addition, this alteration is predicted to be tolerated by in silico analysis. Based on the available evidence, the clinical significance of this variant remains unclear.